The following is an entry in ClinVar:

NM_006393.3(NEBL):c.2965G>A (p.Asp989Asn)

Gene: NEBL (nebulette; minus strand). Cytogenetic location: 10p12.31.
Variant type: single nucleotide variant.
Coding change: c.2965G>A on transcript NM_006393.3 (MANE Select); coding-DNA position 2965, G replaced by A.
Protein change: p.Asp989Asn; replaces aspartic acid 989 with asparagine.
Molecular consequence: missense variant. On other transcripts: 3 prime UTR variant (1).
Genome position (GRCh38, 1-based): chr10:20,785,827, C>T on the plus strand (G>A on the coding strand, the complement: NEBL is on the minus strand). VCF-style: chr10-20785827-C-T. GRCh37 (hg19) VCF-style: chr10-21074756-C-T.
Other names: c.*56G>A (NM_001173484.2); c.826G>A, p.Asp276Asn (NM_001377322.1); c.685G>A, p.Asp229Asn (NM_001377323.1); c.676G>A, p.Asp226Asn (NM_001377324.1); c.667G>A, p.Asp223Asn (NM_001377325.1); c.625G>A, p.Asp209Asn (NM_001377326.1, NM_001377327.1, NM_001377328.1); c.733G>A, p.Asp245Asn (NM_213569.2); short protein forms D223N, D276N, D226N, D229N, D209N, D245N, D989N.
Identifiers: ClinVar variation 2186909 (VCV002186909.4), dbSNP rs868003827, ClinGen allele CA203251729.
Genomic context (GRCh38, chr10:20,785,827, plus strand): 5'-AATTCGCTGGGAGCATTCCTGTTCTCCCTGTTCTCTGCACTGTGCCGTACATCCAGCCAT[C>T]GTCAATAGGCTGCACGTTGACGATGTAGTCGCCGTCTCTAAAGGAGACCTCGTCTTCATC-3'
Protein context (NP_006384.1, residues 979-999): DYIVNVQPID[Asp989Asn]GWMYGTVQRT

ClinVar aggregate classification (germline): Uncertain significance (1 of 4 stars; one submission).

Conditions:
Primary dilated cardiomyopathy (DCM). Also called: Dilated Cardiomyopathy. Identifiers: Orphanet 217604, MedGen C0007193, MeSH D002311, MONDO:0005021, HP:0001644. Inheritance: Various modes of inheritance.

Allele frequency attached by ClinVar (database versions not stated): gnomAD exomes below 0.00001; gnomAD 0.00001.
gnomAD v4.1: 7 of 1,613,892 alleles (0.00043%); highest among the groups gnomAD compares: African/African-American, 0.0013%; no homozygotes.

Submission:

Labcorp Genetics (formerly Invitae), Labcorp
Classification: Uncertain significance for Primary dilated cardiomyopathy. Last evaluated: 2022-03-23. Review status: criteria provided, single submitter. Criteria: Invitae Variant Classification Sherloc (09022015). Collection method: clinical testing. Allele origin: germline.
Comment: In summary, the available evidence is currently insufficient to determine the role of this variant in disease. Therefore, it has been classified as a Variant of Uncertain Significance. Algorithms developed to predict the effect of missense changes on protein structure and function are either unavailable or do not agree on the potential impact of this missense change (SIFT: "Deleterious"; PolyPhen-2: "Probably Damaging"; Align-GVGD: "Class C0"). This variant has not been reported in the literature in individuals affected with NEBL-related conditions. This variant is present in population databases (no rsID available, gnomAD 0.0009%). This sequence change replaces aspartic acid, which is acidic and polar, with asparagine, which is neutral and polar, at codon 989 of the NEBL protein (p.Asp989Asn).